The following is an entry in ClinVar:

ClinVar aggregate classification (germline): Likely benign (1 of 4 stars; one submission).

Allele frequency attached by ClinVar (database versions not stated): gnomAD exomes 0.00001.
gnomAD v4.1: 11 of 1,575,464 alleles (0.0007%); highest among the groups gnomAD compares: Non-Finnish European, 0.00095%; no homozygotes.

Submission:

GeneDx
Classification: Likely benign. Last evaluated: 2016-12-20. Review status: criteria provided, single submitter. Criteria: GeneDx Variant Classification (06012015). Collection method: clinical testing. Allele origin: germline. Affected: yes.
Comment: This variant is considered likely benign or benign based on one or more of the following criteria: it is a conservative change, it occurs at a poorly conserved position in the protein, it is predicted to be benign by multiple in silico algorithms, and/or has population frequency not consistent with disease.

NM_020433.5(JPH2):c.*14+15C>T

Gene: JPH2 (junctophilin 2; minus strand). Cytogenetic location: 20q13.12.
Variant type: single nucleotide variant.
Coding change: c.*14+15C>T on transcript NM_020433.5 (MANE Select); 15 bases into the intron after 14 bases downstream of the stop codon, C replaced by T.
Molecular consequence: intron variant.
Genome position (GRCh38, 1-based): chr20:44,114,767, G>A on the plus strand (C>T on the coding strand, the complement: JPH2 is on the minus strand). VCF-style: chr20-44114767-G-A. GRCh37 (hg19) VCF-style: chr20-42743407-G-A.
Identifiers: ClinVar variation 391991 (VCV000391991.1), dbSNP rs1057524316, ClinGen allele CA16608354.